The following is an entry in ClinVar:

NC_000023.11:g.(?_5892817)_(6383998_?)del

Genes: MIR4770 (microRNA 4770; minus strand), NLGN4X (neuroligin 4 X-linked; minus strand), LOC105373156 (uncharacterized LOC105373156; plus strand). Cytogenetic location: Xp22.32-22.31.
Variant type: Deletion.
Identifiers: ClinVar variation 663423 (VCV000663423.1).

ClinVar aggregate classification (germline): Pathogenic (1 of 4 stars; one submission).

Submission:

Labcorp Genetics (formerly Invitae), Labcorp
Classification: Pathogenic. Last evaluated: 2018-09-25. Review status: criteria provided, single submitter. Criteria: Invitae Variant Classification Sherloc (09022015). Collection method: clinical testing. Allele origin: germline.
Comment: A gross deletion of the genomic region encompassing the full coding sequence of the NLGN4X gene has been identified. The boundaries of this event are unknown as the deletion extends beyond the assayed region for this gene and therefore may encompass additional genes. This variant has not been reported in the literature in individuals with NLGN4X-related disease. Loss-of-function variants in NLGN4X are known to be pathogenic (PMID: 12669065, 14963808, 23352163). For these reasons, this variant has been classified as Pathogenic.